The following is an entry in ClinVar:

ClinVar aggregate classification (germline): Uncertain significance (1 of 4 stars; one submission).

Conditions:
Familial thoracic aortic aneurysm and aortic dissection (TAAD). Also called: Thoracic aortic aneurysms and dissections. Identifiers: Orphanet 91387, MedGen C4707243, MONDO:0019625.

Submission:

Ambry Genetics
Classification: Uncertain significance for Familial thoracic aortic aneurysm and aortic dissection. Last evaluated: 2018-04-26. Review status: criteria provided, single submitter. Criteria: Ambry Variant Classification Scheme 2023. Collection method: clinical testing. Allele origin: germline.
Comment: The p.T1421S variant (also known as c.4261A>T), located in coding exon 51 of the COL3A1 gene, results from an A to T substitution at nucleotide position 4261. The threonine at codon 1421 is replaced by serine, an amino acid with similar properties. This amino acid position is highly conserved in available vertebrate species. In addition, this alteration is predicted to be tolerated by in silico analysis. Since supporting evidence is limited at this time, the clinical significance of this alteration remains unclear.

NM_000090.4(COL3A1):c.4261A>T (p.Thr1421Ser)

Gene: COL3A1 (collagen type III alpha 1 chain; plus strand). Cytogenetic location: 2q32.2.
Variant type: single nucleotide variant.
Coding change: c.4261A>T on transcript NM_000090.4 (MANE Select); coding-DNA position 4261, A replaced by T.
Protein change: p.Thr1421Ser; replaces threonine 1421 with serine.
Molecular consequence: missense variant.
Genome position (GRCh38, 1-based): chr2:189,011,634, A>T. VCF-style: chr2-189011634-A-T. GRCh37 (hg19) VCF-style: chr2-189876360-A-T.
Other names: short protein forms T1421S.
Identifiers: ClinVar variation 1739175 (VCV001739175.2), dbSNP rs2469172584, ClinGen allele CA349850212.